The following is an entry in ClinVar:

NM_022773.4(LMF1):c.448C>G (p.Leu150Val)

Gene: LMF1 (lipase maturation factor 1; minus strand). Cytogenetic location: 16p13.3.
Variant type: single nucleotide variant.
Coding change: c.448C>G on transcript NM_022773.4 (MANE Select); coding-DNA position 448, C replaced by G.
Protein change: p.Leu150Val; replaces leucine 150 with valine.
Molecular consequence: missense variant. On other transcripts: 5 prime UTR variant (3), non-coding transcript variant (1).
Genome position (GRCh38, 1-based): chr16:954,412, G>C on the plus strand (C>G on the coding strand, the complement: LMF1 is on the minus strand). VCF-style: chr16-954412-G-C. GRCh37 (hg19) VCF-style: chr16-1004412-G-C.
Other names: c.-356C>G (NM_001352017.2); c.-107C>G (NM_001352018.2); c.121C>G, p.Leu41Val (NM_001352019.2); c.448C>G, p.Leu150Val (NM_001352020.1); c.-258C>G (NM_001352021.2); short protein forms L41V, L150V.
Identifiers: ClinVar variation 1740949 (VCV001740949.2), dbSNP rs922113767, ClinGen allele CA276539200.

ClinVar aggregate classification (germline): Uncertain significance (1 of 4 stars; one submission).

Conditions:
Cardiovascular phenotype. Identifiers: MedGen CN230736.

Submission:

Ambry Genetics
Classification: Uncertain significance for Cardiovascular phenotype. Last evaluated: 2020-09-16. Review status: criteria provided, single submitter. Criteria: Ambry Variant Classification Scheme 2023. Collection method: clinical testing. Allele origin: germline.
Comment: The p.L150V variant (also known as c.448C>G), located in coding exon 2 of the LMF1 gene, results from a C to G substitution at nucleotide position 448. The leucine at codon 150 is replaced by valine, an amino acid with highly similar properties. This amino acid position is not well conserved in available vertebrate species, and valine is the reference amino acid in other vertebrate species. In addition, this alteration is predicted to be tolerated by in silico analysis. Since supporting evidence is limited at this time, the clinical significance of this alteration remains unclear.